The following is an entry in ClinVar:

NM_006389.5(HYOU1):c.1206-20G>A

Genes: HYOU1 (hypoxia up-regulated 1; minus strand), LOC130006884 (ATAC-STARR-seq lymphoblastoid active region 5617; plus strand). Cytogenetic location: 11q23.3.
Variant type: single nucleotide variant.
Coding change: c.1206-20G>A on transcript NM_006389.5 (MANE Select); 20 bases into the intron before coding-DNA position 1206, G replaced by A.
Molecular consequence: intron variant.
Genome position (GRCh38, 1-based): chr11:119,051,971, C>T on the plus strand (G>A on the coding strand, the complement: HYOU1 is on the minus strand). VCF-style: chr11-119051971-C-T. GRCh37 (hg19) VCF-style: chr11-118922683-C-T.
Other names: c.1206-20G>A (NM_001130991.3).
Identifiers: ClinVar variation 1993653 (VCV001993653.4), dbSNP rs1258492014, ClinGen allele CA672395549.

ClinVar aggregate classification (germline): Uncertain significance (1 of 4 stars; one submission).

Allele frequency attached by ClinVar (database versions not stated): gnomAD exomes 0.00001; TOPMed 0.00001.
gnomAD v4.1: 15 of 1,614,080 alleles (0.00093%); highest among the groups gnomAD compares: African/African-American, 0.0013%; no homozygotes.

Submission:

Labcorp Genetics (formerly Invitae), Labcorp
Classification: Uncertain significance. Last evaluated: 2022-05-12. Review status: criteria provided, single submitter. Criteria: Invitae Variant Classification Sherloc (09022015). Collection method: clinical testing. Allele origin: germline.
Comment: This sequence change falls in intron 11 of the HYOU1 gene. It does not directly change the encoded amino acid sequence of the HYOU1 protein. This variant is not present in population databases (gnomAD no frequency). This variant has not been reported in the literature in individuals affected with HYOU1-related conditions. In summary, the available evidence is currently insufficient to determine the role of this variant in disease. Therefore, it has been classified as a Variant of Uncertain Significance.